The following is an entry in ClinVar:

NM_022124.6(CDH23):c.6546C>T (p.Ser2182=)

Gene: CDH23 (cadherin related 23; plus strand). Cytogenetic location: 10q22.1.
Variant type: single nucleotide variant.
Coding change: c.6546C>T on transcript NM_022124.6 (MANE Select); coding-DNA position 6546, C replaced by T.
Protein change: p.Ser2182=; no amino-acid change (serine 2182 retained).
Molecular consequence: synonymous variant.
Genome position (GRCh38, 1-based): chr10:71,793,474, C>T. VCF-style: chr10-71793474-C-T. GRCh37 (hg19) VCF-style: chr10-73553231-C-T.
Identifiers: ClinVar variation 1064950 (VCV001064950.12), dbSNP rs749008207, ClinGen allele CA5546115.

ClinVar aggregate classification (germline): Likely benign. Review status: criteria provided, multiple submitters, no conflicts (2 of 4 stars). 2 submissions from 2 submitters: Likely benign (2). Last evaluated 2023-09-21.

Conditions:
Hearing impairment. Also called: Impaired Hearing. Identifiers: MedGen C1384666, MONDO:0005365, HP:0000365.

Allele frequency attached by ClinVar (database versions not stated): TOPMed below 0.00001; gnomAD exomes 0.00001; ExAC 0.00002.
gnomAD v4.1: 8 of 1,613,998 alleles (0.0005%); highest among the groups gnomAD compares: Middle Eastern, 0.016%; no homozygotes.

Submissions (2):

Labcorp Genetics (formerly Invitae), Labcorp
Classification: Likely benign. Last evaluated: 2023-09-21. Review status: criteria provided, single submitter. Criteria: Invitae Variant Classification Sherloc (09022015). Collection method: clinical testing. Allele origin: germline.

Department of Otolaryngology – Head & Neck Surgery, Cochlear Implant Center
Classification: Likely benign for Hearing impairment. Last evaluated: 2021-04-12. Review status: criteria provided, single submitter. Criteria: ClinGen HL ACMG Specifications v1. Collection method: clinical testing. Allele origin: germline. Affected: yes.
Comment: PM2_Moderate, BP4_Supporting, BP7_Supporting